The following is an entry in ClinVar:

ClinVar aggregate classification (germline): Uncertain significance (1 of 4 stars; one submission).

Submission:

GeneDx
Classification: Uncertain significance. Last evaluated: 2024-07-25. Review status: criteria provided, single submitter. Criteria: GeneDx Variant Classification Process June 2021. Collection method: clinical testing. Allele origin: germline. Affected: yes.
Comment: Not observed at significant frequency in large population cohorts (gnomAD); In silico analysis supports a deleterious effect on splicing; In silico analysis indicates that this missense variant does not alter protein structure/function; Has not been previously published as pathogenic or benign to our knowledge

NM_018426.3(TMEM63B):c.1839T>G (p.His613Gln)

Gene: TMEM63B (transmembrane protein 63B; plus strand). Cytogenetic location: 6p21.1.
Variant type: single nucleotide variant.
Coding change: c.1839T>G on transcript NM_018426.3 (MANE Select); coding-DNA position 1839, T replaced by G.
Protein change: p.His613Gln; replaces histidine 613 with glutamine.
Molecular consequence: missense variant.
Genome position (GRCh38, 1-based): chr6:44,152,595, T>G. VCF-style: chr6-44152595-T-G. GRCh37 (hg19) VCF-style: chr6-44120332-T-G.
Other names: c.1839T>G, p.His613Gln (NM_001318792.1); short protein forms H613Q.
Identifiers: ClinVar variation 3600580 (VCV003600580.1).
Genomic context (GRCh38, chr6:44,152,595, plus strand): 5'-TGCCCCTCTGGTCAGTCCCTGCCTCCCTGAGCCATCCTCCTGCCCGTCTCCCCCCCAGCA[T>G]CAGGCCTACGAGTTCCAGTTTGGCGCAGCCTACGCCTGGATGATGTGCGTCTTCACGGTG-3'
Protein context (NP_060896.1, residues 603-623): SAAERRNVKR[His613Gln]QAYEFQFGAA